The following is an entry in ClinVar:

ClinVar aggregate classification (germline): Uncertain significance (1 of 4 stars; one submission).

Conditions:
Cardiovascular phenotype. Identifiers: MedGen CN230736.

Submission:

Ambry Genetics
Classification: Uncertain significance for Cardiovascular phenotype. Last evaluated: 2021-09-26. Review status: criteria provided, single submitter. Criteria: Ambry Variant Classification Scheme 2023. Collection method: clinical testing. Allele origin: germline.
Comment: The p.T86S variant (also known as c.256A>T), located in coding exon 3 of the VCL gene, results from an A to T substitution at nucleotide position 256. The threonine at codon 86 is replaced by serine, an amino acid with similar properties. This amino acid position is conserved. In addition, this alteration is predicted to be tolerated by in silico analysis. Since supporting evidence is limited at this time, the clinical significance of this alteration remains unclear.

NM_014000.3(VCL):c.256A>T (p.Thr86Ser)

Gene: VCL (vinculin; plus strand). Cytogenetic location: 10q22.2.
Variant type: single nucleotide variant.
Coding change: c.256A>T on transcript NM_014000.3 (MANE Select); coding-DNA position 256, A replaced by T.
Protein change: p.Thr86Ser; replaces threonine 86 with serine.
Molecular consequence: missense variant.
Genome position (GRCh38, 1-based): chr10:74,070,686, A>T. VCF-style: chr10-74070686-A-T. GRCh37 (hg19) VCF-style: chr10-75830444-A-T.
Other names: c.256A>T, p.Thr86Ser (NM_003373.4); short protein forms T86S.
Identifiers: ClinVar variation 1793209 (VCV001793209.2), dbSNP rs1841649925, ClinGen allele CA377265699.
Genomic context (GRCh38, chr10:74,070,686, plus strand): 5'-CTGTGTGGTTCTGCCGGTGTGTTAACCTGTGTTCTTCCCTATAGGGTTGAGAATGCTTGC[A>T]CCAAGCTTGTCCAGGCAGCTCAGATGCTTCAGTCAGACCCTTACTCAGTGCCTGCTCGAG-3'
Protein context (NP_054706.1, residues 76-96): PAFIKVENAC[Thr86Ser]KLVQAAQMLQ